The following is an entry in ClinVar:

ClinVar aggregate classification (germline): Uncertain significance (1 of 4 stars; one submission).

gnomAD v4.1: 31 of 1,607,028 alleles (0.0019%); highest among the groups gnomAD compares: East Asian, 0.022%; no homozygotes.

Submission:

Greenwood Genetic Center Diagnostic Laboratories, Greenwood Genetic Center
Classification: Uncertain significance. Last evaluated: 2025-11-26. Review status: criteria provided, single submitter. Criteria: ACMG Guidelines, 2015. Collection method: clinical testing. Allele origin: germline. Affected: yes.
Comment: PM2, BP4

NM_005560.6(LAMA5):c.3362G>A (p.Arg1121His)

Gene: LAMA5 (laminin subunit alpha 5; minus strand). Cytogenetic location: 20q13.33.
Variant type: single nucleotide variant.
Coding change: c.3362G>A on transcript NM_005560.6 (MANE Select); coding-DNA position 3362, G replaced by A.
Protein change: p.Arg1121His; replaces arginine 1121 with histidine.
Molecular consequence: missense variant.
Genome position (GRCh38, 1-based): chr20:62,332,638, C>T on the plus strand (G>A on the coding strand, the complement: LAMA5 is on the minus strand). VCF-style: chr20-62332638-C-T. GRCh37 (hg19) VCF-style: chr20-60907694-C-T.
Other names: short protein forms R1121H.
Identifiers: ClinVar variation 4845492 (VCV004845492.1).